The following is an entry in ClinVar:

NM_133510.4(RAD51B):c.820G>T (p.Val274Leu)

Gene: RAD51B (RAD51 paralog B; plus strand). Cytogenetic location: 14q24.1.
Variant type: single nucleotide variant.
Coding change: c.820G>T on transcript NM_133510.4 (MANE Select); coding-DNA position 820, G replaced by T.
Protein change: p.Val274Leu; replaces valine 274 with leucine.
Molecular consequence: missense variant.
Genome position (GRCh38, 1-based): chr14:68,291,947, G>T. VCF-style: chr14-68291947-G-T. GRCh37 (hg19) VCF-style: chr14-68758664-G-T.
Other names: c.820G>T, p.Val274Leu (NM_001321821.2, NM_002877.6, NM_133509.5 and 6 more transcripts); c.706G>T, p.Val236Leu (NM_001321815.1); c.463G>T, p.Val155Leu (NM_001321817.2); short protein forms V155L, V236L, V274L.
Identifiers: ClinVar variation 4862892 (VCV004862892.1).

ClinVar aggregate classification (germline): Uncertain significance (1 of 4 stars; one submission).

gnomAD v4.1: 1 of 1,613,786 alleles (0.000062%); highest among the groups gnomAD compares: South Asian, 0.0011%; no homozygotes.

Submission:

Ambry Genetics
Classification: Uncertain significance. Last evaluated: 2026-04-19. Review status: criteria provided, single submitter. Criteria: Ambry Variant Classification Scheme 2023. Collection method: clinical testing. Allele origin: germline.
Comment: The p.V274L variant (also known as c.820G>T), located in coding exon 7 of the RAD51B gene, results from a G to T substitution at nucleotide position 820. The valine at codon 274 is replaced by leucine, an amino acid with highly similar properties. This amino acid position is conserved. In addition, this alteration is predicted to be tolerated by in silico analysis. Based on the available evidence, the clinical significance of this variant remains unclear.